The following is an entry in ClinVar:

NM_001291415.2(KDM6A):c.64_88del (p.Glu22fs)

Gene: KDM6A (lysine demethylase 6A; plus strand). Cytogenetic location: Xp11.3.
Variant type: Deletion.
Coding change: c.64_88del on transcript NM_001291415.2 (MANE Select); coding-DNA positions 64 to 88, 25 bases deleted (GAAAAGAAAATGGCGGCGGGAAAAG).
Protein change: p.Glu22fs; shifts the reading frame from glutamic acid 22.
Molecular consequence: frameshift variant. On other transcripts: 5 prime UTR variant (1), non-coding transcript variant (1).
Genome position (GRCh38, 1-based): chrX:44,873,615-44,873,639, GAAAAGAAAATGGCGGCGGGAAAAG deleted; deleting any 25 consecutive bases within chrX:44,873,613-44,873,639 gives the same sequence; the c. name uses the placement nearest the transcript's 3' end. VCF-style (leftmost placement, unchanged base first): chrX-44873612-GAGGAAAAGAAAATGGCGGCGGGAAA-G. GRCh37 (hg19) VCF-style: chrX-44732858-GAGGAAAAGAAAATGGCGGCGGGAAA-G.
Other names: c.64_88del, p.Glu22fs (NM_001291416.2, NM_001291417.2, NM_001291418.2 and 9 more transcripts); c.-569_-545del (NM_001291421.2); short protein forms E22fs.
Identifiers: ClinVar variation 4292848 (VCV004292848.1).
Genomic context (GRCh38, chrX:44,873,612, plus strand): 5'-ATGAAATCCTGCGGAGTGTCGCTCGCTACCGCCGCCGCTGCCGCCGCCGCTTTCGGTGAT[GAGGAAAAGAAAATGGCGGCGGGAAA>G]AGCGAGCGGCGAGAGCGAGGAGGCGTCCCCCAGCCTGACAGCCGAGGAGAGGGAGGCGCT-3'

ClinVar aggregate classification (germline): Likely pathogenic (1 of 4 stars; one submission).

Conditions:
Kabuki syndrome 2 (KABUK2). Also called: KDM6A-Related Kabuki Syndrome. Identifiers: Orphanet 2322, MedGen C3275495, MONDO:0010465, OMIM 300867.

Submission:

3billion
Classification: Likely pathogenic for Kabuki syndrome 2. Last evaluated: 2024-09-02. Review status: criteria provided, single submitter. Criteria: ACMG Guidelines, 2015. Collection method: clinical testing. Allele origin: germline. Affected: yes.
Comment: The variant is not observed in the gnomAD v4.0.0 dataset. Predicted Consequence/Location: Frameshift: predicted to result in a loss or disruption of normal protein function through nonsense-mediated decay (NMD) or protein truncation. Multiple pathogenic variants are reported downstream of the variant. Therefore, this variant is classified as Likely pathogenic according to the recommendation of ACMG/AMP guideline.